The following is an entry in ClinVar:

NM_001363118.2(SLC52A2):c.1126-24C>T

Gene: SLC52A2 (solute carrier family 52 member 2; plus strand). Cytogenetic location: 8q24.3.
Variant type: single nucleotide variant.
Coding change: c.1126-24C>T on transcript NM_001363118.2 (MANE Select); 24 bases into the intron before coding-DNA position 1126, C replaced by T.
Molecular consequence: intron variant.
Genome position (GRCh38, 1-based): chr8:144,360,779, C>T. VCF-style: chr8-144360779-C-T. GRCh37 (hg19) VCF-style: chr8-145584439-C-T.
Other names: p.?; c.1126-24C>T (NM_001253816.2, NM_001438496.1, NM_001363121.2 and 5 more transcripts); c.634-24C>T (NM_001438494.1, NM_001438089.1, NM_001438499.1 and 2 more transcripts); c.862-24C>T (NM_001410949.1).
Identifiers: ClinVar variation 4683368 (VCV004683368.1).

ClinVar aggregate classification (germline): Benign (1 of 4 stars; one submission).

gnomAD v4.1: 33,877 of 1,609,320 alleles (2.1%); highest among the groups gnomAD compares: Non-Finnish European, 2.4%; 438 homozygotes.

Submission:

Mayo Clinic Laboratories, Mayo Clinic
Classification: Benign. Last evaluated: 2022-06-24. Review status: criteria provided, single submitter. Criteria: ACMG Guidelines, 2015. Collection method: clinical testing. Allele origin: germline. Observed: 3 variant alleles.
Comment: BS1, BS2, BP4, BP7